The following is an entry in ClinVar:

ClinVar aggregate classification (germline): Benign. Review status: criteria provided, multiple submitters, no conflicts (2 of 4 stars). 8 submissions from 4 submitters: Benign (8). Last evaluated 2021-10-25.

Conditions:
Epidermolysis bullosa simplex with nail dystrophy (EBS5D). Identifiers: MedGen C4225309, MONDO:0014661, OMIM 616487.
Autosomal recessive limb-girdle muscular dystrophy type 2Q (LGMDR17). Also called: MUSCULAR DYSTROPHY, LIMB-GIRDLE, AUTOSOMAL RECESSIVE 17. Identifiers: Orphanet 254361, MedGen C3150989, MONDO:0013390, OMIM 613723.
Epidermolysis bullosa simplex 5C, with pyloric atresia (EBS5C). Also called: Epidermolysis bullosa simplex with pyloric atresia; PLEC-Related Epidermolysis Bullosa with Pyloric Atresia; PLEC1-Related Epidermolysis Bullosa with Pyloric Atresia. Identifiers: Orphanet 158684, MedGen C2677349, MONDO:0012807, OMIM 612138.
Epidermolysis bullosa simplex 5B, with muscular dystrophy (EBS5B). Also called: Epidermolysis bullosa simplex with muscular dystrophy; EPIDERMOLYSIS BULLOSA SIMPLEX AND LIMB-GIRDLE MUSCULAR DYSTROPHY. Identifiers: Orphanet 257, MedGen C2931072, MONDO:0009181, OMIM 226670.
Epidermolysis bullosa simplex, Ogna type (EBS5A). Also called: Pidermolysis bullosa simplex 5A, Ogna type; EPIDERMOLYSIS BULLOSA SIMPLEX 5A, OGNA TYPE. Identifiers: Orphanet 79401, MedGen C0432317, MONDO:0007555, OMIM 131950.

Allele frequency attached by ClinVar (database versions not stated): 1000 Genomes Project 30x 0.22908; 1000 Genomes Project 0.23063; TOPMed 0.28125; ESP Exome Variant Server 0.29427; gnomAD 0.29669; gnomAD exomes 0.34219; ExAC 0.34321.
gnomAD v4.1: 620,465 of 1,601,894 alleles (39%); highest among the groups gnomAD compares: Non-Finnish European, 42%; 126,744 homozygotes.

Submissions (8):

Genome-Nilou Lab
Classification: Benign for Epidermolysis bullosa simplex with nail dystrophy. Last evaluated: 2021-10-25. Review status: criteria provided, single submitter. Criteria: ACMG Guidelines, 2015. Collection method: clinical testing. Allele origin: germline. Affected: no.

Genome-Nilou Lab
Classification: Benign for Epidermolysis bullosa simplex, Ogna type. Last evaluated: 2021-10-25. Review status: criteria provided, single submitter. Criteria: ACMG Guidelines, 2015. Collection method: clinical testing. Allele origin: germline. Affected: no.

Genome-Nilou Lab
Classification: Benign for Epidermolysis bullosa simplex 5B, with muscular dystrophy. Last evaluated: 2021-10-25. Review status: criteria provided, single submitter. Criteria: ACMG Guidelines, 2015. Collection method: clinical testing. Allele origin: germline. Affected: no.

Genome-Nilou Lab
Classification: Benign for Epidermolysis bullosa simplex 5C, with pyloric atresia. Last evaluated: 2021-10-25. Review status: criteria provided, single submitter. Criteria: ACMG Guidelines, 2015. Collection method: clinical testing. Allele origin: germline. Affected: no.

Genome-Nilou Lab
Classification: Benign for Autosomal recessive limb-girdle muscular dystrophy type 2Q. Last evaluated: 2021-10-25. Review status: criteria provided, single submitter. Criteria: ACMG Guidelines, 2015. Collection method: clinical testing. Allele origin: germline. Affected: no.

GeneDx
Classification: Benign. Last evaluated: 2018-06-19. Review status: criteria provided, single submitter. Criteria: GeneDx Variant Classification (06012015). Collection method: clinical testing. Allele origin: germline. Affected: yes.
Comment: This variant is considered likely benign or benign based on one or more of the following criteria: it is a conservative change, it occurs at a poorly conserved position in the protein, it is predicted to be benign by multiple in silico algorithms, and/or has population frequency not consistent with disease.

Breakthrough Genomics
Classification: Benign. Review status: criteria provided, single submitter. Criteria: ACMG Guidelines, 2015. Collection method: not provided. Allele origin: germline. Inheritance: Autosomal recessive inheritance. Affected: yes.

PreventionGenetics, part of Exact Sciences
Classification: Benign. Review status: criteria provided, single submitter. Criteria: ACMG Guidelines, 2015. Collection method: clinical testing. Allele origin: germline.

NM_201384.3(PLEC):c.7425+37C>T

Gene: PLEC (plectin; minus strand). Cytogenetic location: 8q24.3.
Variant type: single nucleotide variant.
Coding change: c.7425+37C>T on transcript NM_201384.3 (MANE Select); 37 bases into the intron after coding-DNA position 7425, C replaced by T.
Molecular consequence: intron variant.
Genome position (GRCh38, 1-based): chr8:143,922,467, G>A on the plus strand (C>T on the coding strand, the complement: PLEC is on the minus strand). VCF-style: chr8-143922467-G-A. GRCh37 (hg19) VCF-style: chr8-144996635-G-A.
Other names: c.7506+37C>T (NM_000445.5); c.7383+37C>T (NM_201378.4); c.7359+37C>T (NM_201379.3); c.7836+37C>T (NM_201380.4); c.7329+37C>T (NM_201381.3); c.7425+37C>T (NM_201382.4); c.7437+37C>T (NM_201383.3).
Identifiers: ClinVar variation 256177 (VCV000256177.5), dbSNP rs11786934, ClinGen allele CA4925640.